The following is an entry in ClinVar:

ClinVar aggregate classification (germline): Uncertain significance (1 of 4 stars; one submission).

Submission:

Labcorp Genetics (formerly Invitae), Labcorp
Classification: Uncertain significance. Last evaluated: 2022-10-13. Review status: criteria provided, single submitter. Criteria: Invitae Variant Classification Sherloc (09022015). Collection method: clinical testing. Allele origin: germline.
Comment: This variant results in a copy number gain of the genomic region encompassing exon(s) 16-31 of the ABCC6 gene. This region includes the termination codon of the gene. This copy number gain extends beyond the assayed region for this gene and therefore may encompass additional genes. As the precise location of this event is unknown, it may be in tandem or it may be located elsewhere in the genome. This variant has not been reported in the literature in individuals affected with ABCC6-related conditions. Experimental studies and prediction algorithms are not available or were not evaluated, and the functional significance of this variant is currently unknown. In summary, the available evidence is currently insufficient to determine the role of this variant in disease. Therefore, it has been classified as a Variant of Uncertain Significance.

NC_000016.9:g.(?_16243990)_(16276807_?)dup

Gene: ABCC6 (ATP binding cassette subfamily C member 6; minus strand). Cytogenetic location: 16p13.11.
Variant type: Duplication.
Identifiers: ClinVar variation 1056077 (VCV001056077.5).